The following is an entry in ClinVar:

ClinVar aggregate classification (germline): Benign (1 of 4 stars; one submission).

Conditions:
White sponge nevus 1. Also called: LEUKOKERATOSIS, HEREDITARY MUCOSAL. Identifiers: MedGen C4011926, MONDO:0008676, OMIM 193900.

Allele frequency attached by ClinVar (database versions not stated): TOPMed 0.00050; ESP Exome Variant Server 0.00094; 1000 Genomes Project 0.00100; gnomAD exomes 0.00384; gnomAD 0.02489 and 0.02546; ExAC 0.03663.
gnomAD v4.1: 1,159 of 290,198 alleles (0.4%); highest among the groups gnomAD compares: Non-Finnish European, 0.52%; 4 homozygotes.

Submission:

Illumina Laboratory Services, Illumina
Classification: Benign for White sponge nevus 1. Last evaluated: 2018-01-13. Review status: criteria provided, single submitter. Criteria: ICSL Variant Classification Criteria 13 December 2019. Collection method: clinical testing. Allele origin: germline.
Comment: This variant was observed in the ICSL laboratory as part of a predisposition screen in an ostensibly healthy population. It had not been previously curated by ICSL or reported in the Human Gene Mutation Database (HGMD: prior to June 1st, 2018), and was therefore a candidate for classification through an automated scoring system. Utilizing variant allele frequency, disease prevalence and penetrance estimates, and inheritance mode, an automated score was calculated to assess if this variant is too frequent to cause the disease. Based on the score and internal cut-off values, a variant classified as benign is not then subjected to further curation. The score for this variant resulted in a classification of benign for this disease.

NM_002272.4(KRT4):c.261T>A (p.Gly87=)

Gene: KRT4 (keratin 4; minus strand). Cytogenetic location: 12q13.13.
Variant type: single nucleotide variant.
Coding change: c.261T>A on transcript NM_002272.4 (MANE Select); coding-DNA position 261, T replaced by A.
Protein change: p.Gly87=; no amino-acid change (glycine 87 retained).
Molecular consequence: synonymous variant.
Genome position (GRCh38, 1-based): chr12:52,813,798, A>T on the plus strand (T>A on the coding strand, the complement: KRT4 is on the minus strand). VCF-style: chr12-52813798-A-T. GRCh37 (hg19) VCF-style: chr12-53207582-A-T.
Identifiers: ClinVar variation 309707 (VCV000309707.5), dbSNP rs74445207, ClinGen allele CA6588793.